The following is an entry in ClinVar:

ClinVar aggregate classification (germline): Pathogenic. Review status: criteria provided, multiple submitters, no conflicts (2 of 4 stars). 3 submissions from 3 submitters: Pathogenic (2). 1 of the submissions does not count toward it. Last evaluated 2025-12-18.

Conditions:
Galactosylceramide beta-galactosidase deficiency. Also called: Krabbe Disease; Leukodystrophy, Globoid Cell; GALACTOCEREBROSIDASE DEFICIENCY; GALC DEFICIENCY; GLOBOID CELL LEUKOENCEPHALOPATHY. Identifiers: Orphanet 487, MedGen C0023521, MONDO:0009499, OMIM 245200.
GALC-related disorder. Also called: GALC-related condition.

Submissions (3):

Natera, Inc.
Classification: Pathogenic for Galactosylceramide beta-galactosidase deficiency. Last evaluated: 2025-12-18. Review status: criteria provided, single submitter. Criteria: Natera Variant Classification Schema (03/2026). Collection method: clinical testing. Allele origin: germline.
Comment: The c.1884delA variant in GALC is a frameshift variant predicted to shift the reading frame beginning at codon 628 and leads to a stop codon 7 codons downstream. This variant is expected to result in nonsense mediated decay, truncation, or a dysfunctional protein product. This variant is rare in the general population with a frequency below the threshold expected for the associated phenotype(s). This variant has been observed in one or more individuals affected with the associated recessive disease, as either homozygous or compound heterozygous with a second variant (PMID: 30777126, 35586607). Given the available evidence, this variant is classified as Pathogenic.

Labcorp Genetics (formerly Invitae), Labcorp
Classification: Pathogenic for Galactosylceramide beta-galactosidase deficiency. Last evaluated: 2025-01-27. Review status: criteria provided, single submitter. Criteria: Invitae Variant Classification Sherloc (09022015). Collection method: clinical testing. Allele origin: germline.
Comment: This sequence change creates a premature translational stop signal (p.Lys628Asnfs*7) in the GALC gene. While this is not anticipated to result in nonsense mediated decay, it is expected to disrupt the last 58 amino acid(s) of the GALC protein. This variant is not present in population databases (gnomAD no frequency). This premature translational stop signal has been observed in individual(s) with Krabbe disease (PMID: 30777126). ClinVar contains an entry for this variant (Variation ID: 1071897). This variant disrupts the p.Thr668 amino acid residue in GALC. Other variant(s) that disrupt this residue have been determined to be pathogenic (PMID: 24252386, 29615819). This suggests that this residue is clinically significant, and that variants that disrupt this residue are likely to be disease-causing. For these reasons, this variant has been classified as Pathogenic.

PreventionGenetics, part of Exact Sciences
Classification: Pathogenic for GALC-related condition. Last evaluated: 2024-05-06. Review status: no assertion criteria provided. Collection method: clinical testing. Allele origin: germline. Not counted in ClinVar's aggregate classification.
Comment: The GALC c.1884delA variant is predicted to result in a frameshift and premature protein termination (p.Lys628Asnfs*7). This variant has been reported in the compound heterozygous state in individuals with Krabbe disease (Beltran-Quintero et al 2019. PubMed ID: 30777126; French CE et al 2022. PubMed ID: 35586607). This variant has not been reported in a large population database, indicating it is rare. Frameshift variants in GALC are expected to be pathogenic. This variant is interpreted as pathogenic.

Literature cited by the submitters: PubMed 30777126 (cited by Natera, Inc. and Labcorp Genetics (formerly Invitae), Labcorp); PubMed 35586607 (cited by Natera, Inc.); PubMed 24252386 (cited by Labcorp Genetics (formerly Invitae), Labcorp); PubMed 29615819 (cited by Labcorp Genetics (formerly Invitae), Labcorp).

NM_000153.4(GALC):c.1884del (p.Lys628fs)

Gene: GALC (galactosylceramidase; minus strand). Cytogenetic location: 14q31.3.
Variant type: Deletion.
Coding change: c.1884del on transcript NM_000153.4 (MANE Select); coding-DNA position 1884, one base deleted (A; older notation c.1884delA).
Protein change: p.Lys628fs; shifts the reading frame from lysine 628.
Molecular consequence: frameshift variant.
Genome position (GRCh38, 1-based): chr14:87,939,932, T deleted on the plus strand (A on the coding strand, the reverse complement: GALC is on the minus strand); the first of 7 consecutive T bases (chr14:87,939,932-87,939,938); deleting any one gives the same sequence. VCF-style (leftmost placement, unchanged base first): chr14-87939931-AT-A. GRCh37 (hg19) VCF-style: chr14-88406275-AT-A.
Other names: c.1815del, p.Lys605fs (NM_001201401.2); c.1806del, p.Lys602fs (NM_001201402.2); c.1884delA (NM_000153.3); short protein forms K602fs, K605fs, K628fs.
Identifiers: ClinVar variation 1071897 (VCV001071897.14), dbSNP rs1336726861, ClinGen allele CA645581076.